The following is an entry in ClinVar:

NM_001145809.2(MYH14):c.5009G>A (p.Arg1670His)

Gene: MYH14 (myosin heavy chain 14; plus strand). Cytogenetic location: 19q13.33.
Variant type: single nucleotide variant.
Coding change: c.5009G>A on transcript NM_001145809.2 (MANE Select); coding-DNA position 5009, G replaced by A.
Protein change: p.Arg1670His; replaces arginine 1670 with histidine.
Molecular consequence: missense variant.
Genome position (GRCh38, 1-based): chr19:50,290,930, G>A. VCF-style: chr19-50290930-G-A. GRCh37 (hg19) VCF-style: chr19-50794187-G-A.
Other names: c.4910G>A, p.Arg1637His (NM_001077186.2); c.4886G>A, p.Arg1629His (NM_024729.4); short protein forms R1629H, R1637H, R1670H.
Identifiers: ClinVar variation 1968930 (VCV001968930.5), dbSNP rs759824498, ClinGen allele CA9593664.

ClinVar aggregate classification (germline): Uncertain significance (1 of 4 stars; one submission).

gnomAD v4.1: 22 of 1,586,180 alleles (0.0014%); highest among the groups gnomAD compares: South Asian, 0.0069%; 1 homozygote.

Submission:

Labcorp Genetics (formerly Invitae), Labcorp
Classification: Uncertain significance. Last evaluated: 2025-10-14. Review status: criteria provided, single submitter. Criteria: Invitae Variant Classification Sherloc (09022015). Collection method: clinical testing. Allele origin: germline.
Comment: This sequence change replaces arginine, which is basic and polar, with histidine, which is basic and polar, at codon 1629 of the MYH14 protein (p.Arg1629His). The frequency data for this variant in the population databases is considered unreliable, as metrics indicate poor data quality at this position in the gnomAD database. This variant has not been reported in the literature in individuals affected with MYH14-related conditions. ClinVar contains an entry for this variant (Variation ID: 1968930). Invitae Evidence Modeling of protein sequence and biophysical properties (such as structural, functional, and spatial information, amino acid conservation, physicochemical variation, residue mobility, and thermodynamic stability) indicates that this missense variant is expected to disrupt MYH14 protein function with a positive predictive value of 80%. In summary, the available evidence is currently insufficient to determine the role of this variant in disease. Therefore, it has been classified as a Variant of Uncertain Significance.